The following is an entry in ClinVar:

NM_001197104.2(KMT2A):c.7784del (p.Pro2595fs)

Gene: KMT2A (lysine methyltransferase 2A; plus strand). Cytogenetic location: 11q23.3.
Variant type: Deletion.
Coding change: c.7784del on transcript NM_001197104.2 (MANE Select); coding-DNA position 7784, one base deleted (C; older notation c.7784delC).
Protein change: p.Pro2595fs; shifts the reading frame from proline 2595.
Molecular consequence: frameshift variant.
Genome position (GRCh38, 1-based): chr11:118,503,676, C deleted; the last of 2 consecutive C bases (chr11:118,503,675-118,503,676); deleting either gives the same sequence. VCF-style (leftmost placement, unchanged base first): chr11-118503674-TC-T. GRCh37 (hg19) VCF-style: chr11-118374389-TC-T.
Other names: c.7874del, p.Pro2625fs (NM_001412597.1); c.7775del, p.Pro2592fs (NM_005933.4); short protein forms P2592fs, P2595fs, P2625fs.
Identifiers: ClinVar variation 4532250 (VCV004532250.1).

ClinVar aggregate classification (germline): Pathogenic (1 of 4 stars; one submission).

Conditions:
Wiedemann-Steiner syndrome (WDSTS). Also called: Growth deficiency and mental retardation with facial dysmorphism. Identifiers: Orphanet 319182, MedGen C1854630, MONDO:0011518, OMIM 605130.

Submission:

Institute of Human Genetics, University of Goettingen
Classification: Pathogenic for Wiedemann-Steiner syndrome. Last evaluated: 2025-07-10. Review status: criteria provided, single submitter. Criteria: ACMG Guidelines, 2015. Collection method: clinical testing. Allele origin: de novo. Inheritance: Autosomal dominant inheritance. Affected: yes. Observed: 1 heterozygote.
Comment: The variant c.7784del (p.(Pro2595Glnfs*7)) in exon 27 of the KMT2A-gene is not found in the gnomAD database. The variation generates a 'Frameshift' as coding effect. The frameshift starts at codon Pro2595.The new reading frame ends in a STOP codon at position 7. ACMG criteria used for classification: PVS1, PM2_sup, PM6_sup